The following is an entry in ClinVar:

NM_000059.4(BRCA2):c.4835C>T (p.Pro1612Leu)

Gene: BRCA2 (BRCA2 DNA repair associated; plus strand). Cytogenetic location: 13q13.1.
Variant type: single nucleotide variant.
Coding change: c.4835C>T on transcript NM_000059.4 (MANE Select); coding-DNA position 4835, C replaced by T.
Protein change: p.Pro1612Leu; replaces proline 1612 with leucine.
Molecular consequence: missense variant.
Genome position (GRCh38, 1-based): chr13:32,339,190, C>T. VCF-style: chr13-32339190-C-T. GRCh37 (hg19) VCF-style: chr13-32913327-C-T.
Other names: short protein forms P1612L.
Identifiers: ClinVar variation 246111 (VCV000246111.22), dbSNP rs764834875, ClinGen allele CA6940820.

ClinVar aggregate classification (germline): Conflicting classifications of pathogenicity. Review status: criteria provided, conflicting classifications (1 of 4 stars). 6 submissions from 6 submitters: Uncertain significance (4); Likely benign (2). Last evaluated 2025-01-22.

Conditions:
Hereditary cancer-predisposing syndrome. Also called: Tumor predisposition; Hereditary neoplastic syndrome; Hereditary Cancer Syndrome; Neoplastic Syndromes, Hereditary. Identifiers: Orphanet 140162, MedGen C0027672, MeSH D009386, MONDO:0015356.
Hereditary breast ovarian cancer syndrome. Also called: Hereditary breast and/or ovarian cancer syndrome; Breast and ovarian cancer; Hereditary breast and ovarian cancer; Hereditary breast and ovarian cancer syndrome; Hereditary breast and ovarian cancer syndrome (HBOC); BRCA1- and BRCA2-Associated Hereditary Breast and Ovarian Cancer. Identifiers: Orphanet 145, MedGen C0677776, MeSH D061325, MONDO:0003582. Disease mechanism: loss of function.
Breast-ovarian cancer, familial, susceptibility to, 2 (BROVCA2). Also called: BRCA2 Hereditary Breast and Ovarian Cancer. Identifiers: Orphanet 145, MedGen C2675520, MONDO:0012933, OMIM 612555. Disease mechanism: loss of function.

Allele frequency attached by ClinVar (database versions not stated): gnomAD exomes below 0.00001 and 0.00001; ExAC 0.00002.
gnomAD v4.1: 2 of 1,613,566 alleles (0.00012%); highest among the groups gnomAD compares: Non-Finnish European, 0.00017%; no homozygotes.

Submissions (6):

Dasa
Classification: Uncertain significance for Breast-ovarian cancer, familial, susceptibility to, 2. Last evaluated: 2025-01-22. Review status: criteria provided, single submitter. Criteria: DASA Assertion Criteria. Collection method: clinical testing. Allele origin: germline.
Comment: NM_000059.4(BRCA2):c.4835C>T (p.Pro1612Leu) is a missense variant that results in the substitution of proline with leucine. This variant is rare in population databases. The currently available literature and clinical evidence are not sufficient to establish a definitive association between this variant and the reported condition. Therefore, this variant is classified as a variant of uncertain significance.

Color Diagnostics, LLC DBA Color Health
Classification: Uncertain significance for Hereditary cancer-predisposing syndrome. Last evaluated: 2024-03-06. Review status: criteria provided, single submitter. Criteria: ACMG Guidelines, 2015. Collection method: clinical testing. Allele origin: germline.
Comment: This missense variant replaces proline with leucine at codon 1612 of the BRCA2 protein. Computational prediction suggests that this variant may not impact protein structure and function (internally defined REVEL score threshold <= 0.5, PMID: 27666373). To our knowledge, functional studies have not been reported for this variant. This variant has not been reported in individuals affected with hereditary cancer in the literature. This variant has been identified in 2/249984 chromosomes in the general population by the Genome Aggregation Database (gnomAD). The available evidence is insufficient to determine the role of this variant in disease conclusively. Therefore, this variant is classified as a Variant of Uncertain Significance.

Labcorp Genetics (formerly Invitae), Labcorp
Classification: Uncertain significance for Hereditary breast ovarian cancer syndrome. Last evaluated: 2024-01-11. Review status: criteria provided, single submitter. Criteria: Invitae Variant Classification Sherloc (09022015). Collection method: clinical testing. Allele origin: germline.
Comment: This sequence change replaces proline, which is neutral and non-polar, with leucine, which is neutral and non-polar, at codon 1612 of the BRCA2 protein (p.Pro1612Leu). This variant is present in population databases (rs764834875, gnomAD 0.002%). This variant has not been reported in the literature in individuals affected with BRCA2-related conditions. ClinVar contains an entry for this variant (Variation ID: 246111). Advanced modeling of protein sequence and biophysical properties (such as structural, functional, and spatial information, amino acid conservation, physicochemical variation, residue mobility, and thermodynamic stability) performed at Invitae indicates that this missense variant is not expected to disrupt BRCA2 protein function with a negative predictive value of 95%. In summary, the available evidence is currently insufficient to determine the role of this variant in disease. Therefore, it has been classified as a Variant of Uncertain Significance.

University of Washington Department of Laboratory Medicine, University of Washington
Classification: Likely benign for Hereditary cancer-predisposing syndrome. Last evaluated: 2023-03-23. Review status: criteria provided, single submitter. Criteria: Dines et al. (Genet Med. 2020). Collection method: curation. Allele origin: germline.
Comment: Missense variant in a coldspot region where missense variants are very unlikely to be pathogenic (PMID:31911673).

BRCA2 exon 11 coldspot. Reclassification based on statistical prior probability.

Ambry Genetics
Classification: Likely benign for Hereditary cancer-predisposing syndrome. Last evaluated: 2019-12-02. Review status: criteria provided, single submitter. Criteria: Ambry Variant Classification Scheme 2023. Collection method: clinical testing. Allele origin: germline.

GeneDx
Classification: Uncertain significance. Last evaluated: 2018-04-26. Review status: criteria provided, single submitter. Criteria: GeneDx Variant Classification (06012015). Collection method: clinical testing. Allele origin: germline. Affected: yes.
Comment: This variant is denoted BRCA2 c.4835C>T at the cDNA level, p.Pro1612Leu (P1612L) at the protein level, and results in the change of a Proline to a Leucine (CCA>CTA). Using alternate nomenclature, this variant would be defined as BRCA2 5063C>T. This variant has not, to our knowledge, been published in the literature as pathogenic or benign. BRCA2 Pro1612Leu was not observed at a significant allele frequency in large population cohorts (Lek 2016). BRCA2 Pro1612Leu is located in the POLH and RAD51 binding domains (Roy 2012, Buisson 2014). In silico analysis, which includes protein predictors and evolutionary conservation, supports that this variant does not alter protein structure/function. Based on currently available evidence, it is unclear whether BRCA2 Pro1612Leu is a pathogenic or benign variant. We consider it to be a variant of uncertain significance.